The following is an entry in ClinVar:

NM_206933.4(USH2A):c.11831C>A (p.Ala3944Asp)

Gene: USH2A (usherin; minus strand). Cytogenetic location: 1q41.
Variant type: single nucleotide variant.
Coding change: c.11831C>A on transcript NM_206933.4 (MANE Select); coding-DNA position 11831, C replaced by A.
Protein change: p.Ala3944Asp; replaces alanine 3944 with aspartic acid.
Molecular consequence: missense variant.
Genome position (GRCh38, 1-based): chr1:215,728,265, G>T on the plus strand (C>A on the coding strand, the complement: USH2A is on the minus strand). VCF-style: chr1-215728265-G-T. GRCh37 (hg19) VCF-style: chr1-215901607-G-T.
Other names: short protein forms A3944D.
Identifiers: ClinVar variation 555105 (VCV000555105.11), dbSNP rs1431048303, ClinGen allele CA344829065.

ClinVar aggregate classification (germline): Pathogenic/Likely pathogenic. Review status: criteria provided, multiple submitters, no conflicts (2 of 4 stars). 7 submissions from 6 submitters: Pathogenic (2); Likely pathogenic (4). 1 of the submissions does not count toward it. Last evaluated 2024-02-21.

Conditions:
Usher syndrome. Also called: Usher's syndrome; Usher Syndromes. Identifiers: Orphanet 886, MedGen CN469326, MeSH D052245, MONDO:0019501. Disease mechanism: loss of function.
Retinitis pigmentosa 39 (RP39). Identifiers: Orphanet 791, MedGen C3151138, MONDO:0013436, OMIM 613809.
Usher syndrome type 2A. Also called: RETINAL DISEASE IN USHER SYNDROME TYPE IIA, MODIFIER OF; USHER SYNDROME, TYPE IIA. Identifiers: Orphanet 231178, Orphanet 886, MedGen C1848634, MONDO:0010169, OMIM 276901.
Retinal dystrophy. Also called: Inherited retinal dystrophy. Identifiers: Orphanet 71862, MedGen C0854723, MeSH D058499, MONDO:0019118, HP:0000556.

Allele frequency attached by ClinVar (database versions not stated): gnomAD exomes below 0.00001; gnomAD 0.00001; TOPMed 0.00001.
gnomAD v4.1: 6 of 1,613,972 alleles (0.00037%); highest among the groups gnomAD compares: Non-Finnish European, 0.00051%; no homozygotes.

Submissions (7):

Baylor Genetics
Classification: Pathogenic for Retinitis pigmentosa 39. Last evaluated: 2024-02-21. Review status: criteria provided, single submitter. Criteria: ACMG Guidelines, 2015. Collection method: clinical testing. Allele origin: unknown.

Genome-Nilou Lab
Classification: Likely pathogenic for Retinitis pigmentosa 39. Last evaluated: 2023-11-04. Review status: criteria provided, single submitter. Criteria: ACMG Guidelines, 2015. Collection method: clinical testing. Allele origin: germline. Affected: no.

Genome-Nilou Lab
Classification: Likely pathogenic for Usher syndrome type 2A. Last evaluated: 2023-11-04. Review status: criteria provided, single submitter. Criteria: ACMG Guidelines, 2015. Collection method: clinical testing. Allele origin: germline. Affected: no.

Women's Health and Genetics/Laboratory Corporation of America, LabCorp
Classification: Likely pathogenic for Usher syndrome. Last evaluated: 2023-07-26. Review status: criteria provided, single submitter. Criteria: LabCorp Variant Classification Summary - May 2015. Collection method: clinical testing. Allele origin: germline.
Comment: Variant summary: USH2A c.11831C>A (p.Ala3944Asp) results in a non-conservative amino acid change located in the fibronectin type III domain (IPR003961) of the encoded protein sequence. Five of five in-silico tools predict a damaging effect of the variant on protein function. The variant allele was found at a frequency of 4e-06 in 250536 control chromosomes. c.11831C>A has been reported in the literature in the compound heterozygous state in at least four comprehensively evaluated individuals affected with Usher Syndrome who have been subsequently cited by others (e.g. Sodi_2014, Krawitz_2014, Bonnet_2016, Mansard_2021, cited in Neuhaus_2017, Fakin_2021). These data indicate that the variant is likely to be associated with disease. To our knowledge, no experimental evidence demonstrating an impact on protein function has been reported. The following publications have been ascertained in the context of this evaluation (PMID: 27460420, 34638692, 25333064, 34948090, 28944237, 25558175). One submitter has provided a clinical-significance assessment for this variant to ClinVar after 2014 and has classified the variant as likely pathogenic. Based on the evidence outlined above, the variant was classified as likely pathogenic.

Labcorp Genetics (formerly Invitae), Labcorp
Classification: Pathogenic. Last evaluated: 2023-07-21. Review status: criteria provided, single submitter. Criteria: Invitae Variant Classification Sherloc (09022015). Collection method: clinical testing. Allele origin: germline.
Comment: This missense change has been observed in individual(s) with Usher syndrome (PMID: 25333064, 25558175). In at least one individual the data is consistent with being in trans (on the opposite chromosome) from a pathogenic variant. This variant is present in population databases (no rsID available, gnomAD 0.0009%). This sequence change replaces alanine, which is neutral and non-polar, with aspartic acid, which is acidic and polar, at codon 3944 of the USH2A protein (p.Ala3944Asp). For these reasons, this variant has been classified as Pathogenic. Advanced modeling of protein sequence and biophysical properties (such as structural, functional, and spatial information, amino acid conservation, physicochemical variation, residue mobility, and thermodynamic stability) performed at Invitae indicates that this missense variant is expected to disrupt USH2A protein function. ClinVar contains an entry for this variant (Variation ID: 555105).

Institute of Human Genetics, Univ. Regensburg, Univ. Regensburg
Classification: Likely pathogenic for Retinal dystrophy. Last evaluated: 2021-01-01. Review status: criteria provided, single submitter. Criteria: ACMG Guidelines, 2015. Collection method: clinical testing. Allele origin: germline. Affected: yes.

Counsyl
Classification: Likely pathogenic for Usher syndrome type 2A; Retinitis pigmentosa 39. Last evaluated: 2017-11-27. Review status: no assertion criteria provided. Collection method: clinical testing. Allele origin: unknown. Not counted in ClinVar's aggregate classification.

Literature cited by the submitters: PubMed 27460420 (cited by Women's Health and Genetics/Laboratory Corporation of America, LabCorp and Counsyl); PubMed 28944237 (cited by 3 submitters); PubMed 34638692 (cited by Women's Health and Genetics/Laboratory Corporation of America, LabCorp); PubMed 25333064 (cited by 4 submitters); PubMed 25558175 (cited by 3 submitters); PubMed 34948090 (cited by Women's Health and Genetics/Laboratory Corporation of America, LabCorp and Institute of Human Genetics, Univ. Regensburg, Univ. Regensburg); PubMed 31964843 (cited by Institute of Human Genetics, Univ. Regensburg, Univ. Regensburg).